The following is an entry in ClinVar:

ClinVar aggregate classification (germline): Uncertain significance (1 of 4 stars; one submission).

Submission:

GeneDx
Classification: Uncertain significance. Last evaluated: 2025-12-03. Review status: criteria provided, single submitter. Criteria: GeneDx Variant Classification Process June 2021. Collection method: clinical testing. Allele origin: germline. Affected: yes.
Comment: Not observed at significant frequency in large population cohorts (gnomAD); In silico analysis supports that this missense variant has a deleterious effect on protein structure/function; Has not been previously published as pathogenic or benign to our knowledge

NM_001012614.2(CTBP1):c.249C>G (p.Ile83Met)

Gene: CTBP1 (C-terminal binding protein 1; minus strand). Cytogenetic location: 4p16.3.
Variant type: single nucleotide variant.
Coding change: c.249C>G on transcript NM_001012614.2 (MANE Select); coding-DNA position 249, C replaced by G.
Protein change: p.Ile83Met; replaces isoleucine 83 with methionine.
Molecular consequence: missense variant.
Genome position (GRCh38, 1-based): chr4:1,228,257, G>C on the plus strand (C>G on the coding strand, the complement: CTBP1 is on the minus strand). VCF-style: chr4-1228257-G-C. GRCh37 (hg19) VCF-style: chr4-1222045-G-C.
Other names: c.282C>G, p.Ile94Met (NM_001328.3, NM_001377186.1); c.249C>G, p.Ile83Met (NM_001377187.1, NM_001377188.1, NM_001377189.1 and 4 more transcripts); short protein forms I83M, I94M.
Identifiers: ClinVar variation 1723574 (VCV001723574.3), dbSNP rs1292529646, ClinGen allele CA355956846.
Genomic context (GRCh38, chr4:1,228,257, plus strand): 5'-ACCTAAATCCCCGGCCGACTTGATGTCGATGTTGTCAAAACCACTGCCAATCCGGACGAT[G>C]ATGCGGAGGGCTTTGAACTTCTCCAGGTCCTCCCTGGTGAGAGTGATGGTGTGGTACATC-3'
Protein context (NP_001012632.1, residues 73-93): EDLEKFKALR[Ile83Met]IVRIGSGFDN